The following is an entry in ClinVar:

NM_018671.5(UNC45A):c.2824G>C (p.Asp942His)

Genes: RCCD1-AS1 (RCCD1 and UNC45A antisense RNA 1; minus strand), UNC45A (unc-45 myosin chaperone A; plus strand). Cytogenetic location: 15q26.1.
Variant type: single nucleotide variant.
Coding change: c.2824G>C on transcript NM_018671.5 (MANE Select); coding-DNA position 2824, G replaced by C.
Protein change: p.Asp942His; replaces aspartic acid 942 with histidine.
Molecular consequence: missense variant.
Genome position (GRCh38, 1-based): chr15:90,953,705, G>C. VCF-style: chr15-90953705-G-C. GRCh37 (hg19) VCF-style: chr15-91496935-G-C.
Other names: c.2779G>C, p.Asp927His (NM_001039675.2, NM_001323621.2); c.2824G>C, p.Asp942His (NM_001323619.1); c.2389G>C, p.Asp797His (NM_001323620.2); short protein forms D797H, D927H, D942H.
Identifiers: ClinVar variation 1473704 (VCV001473704.6), dbSNP rs2037064635, ClinGen allele CA393863428.

ClinVar aggregate classification (germline): Uncertain significance (1 of 4 stars; one submission).

Submission:

Labcorp Genetics (formerly Invitae), Labcorp
Classification: Uncertain significance. Last evaluated: 2021-09-07. Review status: criteria provided, single submitter. Criteria: Invitae Variant Classification Sherloc (09022015). Collection method: clinical testing. Allele origin: germline.
Comment: This sequence change replaces aspartic acid with histidine at codon 942 of the UNC45A protein (p.Asp942His). The aspartic acid residue is weakly conserved and there is a moderate physicochemical difference between aspartic acid and histidine. This variant is not present in population databases (ExAC no frequency). This variant has not been reported in the literature in individuals affected with UNC45A-related conditions. Algorithms developed to predict the effect of missense changes on protein structure and function are either unavailable or do not agree on the potential impact of this missense change (SIFT: "Not Available"; PolyPhen-2: "Benign"; Align-GVGD: "Not Available"). In summary, the available evidence is currently insufficient to determine the role of this variant in disease. Therefore, it has been classified as a Variant of Uncertain Significance.